The following is an entry in ClinVar:

ClinVar aggregate classification (germline): Benign (1 of 4 stars; one submission).

Allele frequency attached by ClinVar (database versions not stated): gnomAD 0.00028; 1000 Genomes Project 0.00100; 1000 Genomes Project 30x 0.00141.

Submission:

CeGaT Center for Human Genetics Tuebingen
Classification: Benign. Last evaluated: 2026-06-01. Review status: criteria provided, single submitter. Criteria: CeGaT Center For Human Genetics Tuebingen Variant Classification Criteria Version 2. Collection method: clinical testing. Allele origin: germline. Affected: yes. Observed: 7 variant alleles.
Comment: AHNAK2: BP4, BP7, BS1, BS2

NM_138420.4(AHNAK2):c.6393T>C (p.Asp2131=)

Gene: AHNAK2 (AHNAK nucleoprotein 2; minus strand). Cytogenetic location: 14q32.33.
Variant type: single nucleotide variant.
Coding change: c.6393T>C on transcript NM_138420.4 (MANE Select); coding-DNA position 6393, T replaced by C.
Protein change: p.Asp2131=; no amino-acid change (aspartic acid 2131 retained).
Molecular consequence: synonymous variant.
Genome position (GRCh38, 1-based): chr14:104,949,058, A>G on the plus strand (T>C on the coding strand, the complement: AHNAK2 is on the minus strand). VCF-style: chr14-104949058-A-G. GRCh37 (hg19) VCF-style: chr14-105415395-A-G.
Other names: c.6093T>C, p.Asp2031= (NM_001350929.2).
Identifiers: ClinVar variation 2644744 (VCV002644744.24), dbSNP rs540355637, ClinGen allele CA7381187.
Genomic context (GRCh38, chr14:104,949,058, plus strand): 5'-GCTGTCTTTGGTAGTCAGGTCCTTGTTGGCCAGGGTCAGGTCCCCCTGCAGATGCGCACT[A>G]TCCAGCTTGGCTCTTGGGGCCTGGACGTCCACCTCCATGCTGGGCAGAGACACCTCGACA-3'
Protein context (NP_612429.2, residues 2121-2141): VDVQAPRAKL[Asp2131=]SAHLQGDLTL